The following is an entry in ClinVar:

ClinVar aggregate classification (germline): Uncertain significance. Review status: criteria provided, multiple submitters, no conflicts (2 of 4 stars). 4 submissions from 4 submitters: Uncertain significance (4). Last evaluated 2024-04-04.

Conditions:
Cardiomyopathy (CMYO). Also called: Cardiomyopathies. Identifiers: Orphanet 167848, MedGen C0878544, MONDO:0004994, HP:0001638. Inheritance: Various modes of inheritance.
Arrhythmogenic cardiomyopathy with wooly hair and keratoderma. Also called: Carvajal syndrome; PALMOPLANTAR KERATODERMA WITH LEFT VENTRICULAR CARDIOMYOPATHY AND WOOLLY HAIR; Dilated cardiomyopathy with woolly hair and keratoderma; Arrhythmogenic cardiomyopathy with woolly hair and keratoderma. Identifiers: Orphanet 65282, MedGen C1854063, MONDO:0011581, OMIM 605676.
Arrhythmogenic right ventricular dysplasia 8 (ARVD8). Also called: Arrhythmogenic Right Ventricular Dysplasia/Cardiomyopathy 8; ARRHYTHMOGENIC RIGHT VENTRICULAR DYSPLASIA, FAMILIAL, 8; ARRHYTHMOGENIC RIGHT VENTRICULAR CARDIOMYOPATHY 8. Identifiers: MedGen C1843896, MONDO:0011831, OMIM 607450.

Allele frequency attached by ClinVar (database versions not stated): gnomAD exomes 0.00001.
gnomAD v4.1: 10 of 1,614,136 alleles (0.00062%); highest among the groups gnomAD compares: Non-Finnish European, 0.00068%; no homozygotes.

Submissions (4):

Blueprint Genetics
Classification: Uncertain significance. Last evaluated: 2024-04-04. Review status: criteria provided, single submitter. Criteria: ACMG Guidelines, 2015. Collection method: clinical testing. Allele origin: germline.

Color Diagnostics, LLC DBA Color Health
Classification: Uncertain significance for Cardiomyopathy. Last evaluated: 2023-12-04. Review status: criteria provided, single submitter. Criteria: ACMG Guidelines, 2015. Collection method: clinical testing. Allele origin: germline.
Comment: Variant of Uncertain Significance due to insufficient evidence: This missense variant replaces threonine with methionine at codon 279 of the DSP protein. Computational prediction tools and conservation analyses are inconclusive regarding the impact of this variant on the protein function. Computational splicing tools suggest that this variant may not impact RNA splicing. To our knowledge, functional assays have not been performed for this variant nor has this variant been reported in individuals affected with cardiovascular disorders in the literature. This variant has not been identified in the general population by the Genome Aggregation Database (gnomAD). Available evidence is insufficient to determine the role of this variant in disease conclusively.

All of Us Research Program, National Institutes of Health
Classification: Uncertain significance for Arrhythmogenic cardiomyopathy with wooly hair and keratoderma. Last evaluated: 2023-06-28. Review status: criteria provided, single submitter. Criteria: ACMG Guidelines, 2015. Collection method: clinical testing. Allele origin: germline. Inheritance: Autosomal dominant inheritance. Observed: 1 variant allele, 1 heterozygote.
Comment: This study involves interpretation of variants in research participants for the purpose of population health screening. Participant phenotype was not available at the time of variant classification. Additional details can be found in publication PMID: 35346344, PMCID: PMC8962531

Labcorp Genetics (formerly Invitae), Labcorp
Classification: Uncertain significance for Arrhythmogenic cardiomyopathy with wooly hair and keratoderma; Arrhythmogenic right ventricular dysplasia 8. Last evaluated: 2023-04-27. Review status: criteria provided, single submitter. Criteria: Invitae Variant Classification Sherloc (09022015). Collection method: clinical testing. Allele origin: germline.
Comment: In summary, the available evidence is currently insufficient to determine the role of this variant in disease. Therefore, it has been classified as a Variant of Uncertain Significance. An algorithm developed to predict the effect of missense changes on protein structure and function (PolyPhen-2) suggests that this variant is likely to be disruptive. ClinVar contains an entry for this variant (Variation ID: 925801). This variant has not been reported in the literature in individuals affected with DSP-related conditions. This variant is not present in population databases (gnomAD no frequency). This sequence change replaces threonine, which is neutral and polar, with methionine, which is neutral and non-polar, at codon 279 of the DSP protein (p.Thr279Met).

NM_004415.4(DSP):c.836C>T (p.Thr279Met)

Gene: DSP (desmoplakin; plus strand). Cytogenetic location: 6p24.3.
Variant type: single nucleotide variant.
Coding change: c.836C>T on transcript NM_004415.4 (MANE Select); coding-DNA position 836, C replaced by T.
Protein change: p.Thr279Met; replaces threonine 279 with methionine.
Molecular consequence: missense variant.
Genome position (GRCh38, 1-based): chr6:7,565,417, C>T. VCF-style: chr6-7565417-C-T. GRCh37 (hg19) VCF-style: chr6-7565650-C-T.
Other names: c.836C>T, p.Thr279Met (NM_001008844.3, NM_001319034.2); short protein forms T279M.
Identifiers: ClinVar variation 925801 (VCV000925801.17), dbSNP rs1758829264, ClinGen allele CA362674266.